The following is an entry in ClinVar:

NM_001384900.1(SEMA3D):c.698C>T (p.Ser233Leu)

Gene: SEMA3D (semaphorin 3D; minus strand). Cytogenetic location: 7q21.11.
Variant type: single nucleotide variant.
Coding change: c.698C>T on transcript NM_001384900.1 (MANE Select); coding-DNA position 698, C replaced by T.
Protein change: p.Ser233Leu; replaces serine 233 with leucine.
Molecular consequence: missense variant.
Genome position (GRCh38, 1-based): chr7:85,065,444, G>A on the plus strand (C>T on the coding strand, the complement: SEMA3D is on the minus strand). VCF-style: chr7-85065444-G-A. GRCh37 (hg19) VCF-style: chr7-84694760-G-A.
Other names: c.698C>T, p.Ser233Leu (NM_001384901.1, NM_001384902.1, NM_001384903.1 and 1 more transcripts); short protein forms S233L.
Identifiers: ClinVar variation 2402007 (VCV002402007.5), dbSNP rs143869872, ClinGen allele CA4323669.
Genomic context (GRCh38, chr7:85,065,444, plus strand): 5'-AAGCAAGACAATCAAAAGTAAACAAAAAAAAATCACAAACCATTGAGCCAGTAGTGCTCT[G>A]AAATGTCAGTTCTGATGTAGTGGTGGTCATGAGTAGGCCCAAGGGATCGAGTGAATGCAG-3'
Protein context (NP_001371829.1, residues 223-243): HDHHYIRTDI[Ser233Leu]EHYWLNGAKF

ClinVar aggregate classification (germline): Uncertain significance. Review status: criteria provided, multiple submitters, no conflicts (2 of 4 stars). 2 submissions from 2 submitters: Uncertain significance (2). Last evaluated 2026-06-21.

Conditions:
SEMA3D-related disorder. Also called: SEMA3D-related condition.

Allele frequency attached by ClinVar (database versions not stated): gnomAD exomes 0.00005; ExAC 0.00006; gnomAD 0.00006; TOPMed 0.00006; ESP Exome Variant Server 0.00015.
gnomAD v4.1: 74 of 1,613,266 alleles (0.0046%); highest among the groups gnomAD compares: Non-Finnish European, 0.0055%; no homozygotes.

Submissions (2):

PreventionGenetics, part of Exact Sciences
Classification: Uncertain significance for SEMA3D-related condition. Last evaluated: 2026-06-21. Review status: criteria provided, single submitter. Criteria: ACMG Guidelines, 2015. Collection method: clinical testing. Allele origin: germline.
Comment: The SEMA3D c.698C>T variant is predicted to result in the amino acid substitution p.Ser233Leu. To our knowledge, this variant has not been reported in the literature. This variant is reported in 0.0093% of alleles in individuals of European (Non-Finnish) descent in gnomAD. At this time, the clinical significance of this variant is uncertain due to the absence of conclusive functional and genetic evidence.

Ambry Genetics
Classification: Uncertain significance. Last evaluated: 2025-10-06. Review status: criteria provided, single submitter. Criteria: Ambry Variant Classification Scheme 2023. Collection method: clinical testing. Allele origin: germline.